The following is an entry in ClinVar:

ClinVar aggregate classification (germline): Uncertain significance (1 of 4 stars; one submission).

Allele frequency attached by ClinVar (database versions not stated): gnomAD exomes below 0.00001.
gnomAD v4.1: 1 of 1,211,873 alleles (0.000083%); highest among the groups gnomAD compares: East Asian, 0.003%; no homozygotes.

Submission:

GeneDx
Classification: Uncertain significance. Last evaluated: 2020-04-02. Review status: criteria provided, single submitter. Criteria: GeneDx Variant Classification Process June 2021. Collection method: clinical testing. Allele origin: germline. Affected: yes.
Comment: Not observed in large population cohorts (Lek et al., 2016); In silico analysis supports that this missense variant does not alter protein structure/function; Has not been previously published as pathogenic or benign to our knowledge

NM_001079872.2(CUL4B):c.494T>C (p.Val165Ala)

Genes: CUL4B (cullin 4B; minus strand), LOC113845788 (Sharpr-MPRA regulatory region 11856; plus strand). Cytogenetic location: Xq24.
Variant type: single nucleotide variant.
Coding change: c.494T>C on transcript NM_001079872.2 (MANE Select); coding-DNA position 494, T replaced by C.
Protein change: p.Val165Ala; replaces valine 165 with alanine.
Molecular consequence: missense variant.
Genome position (GRCh38, 1-based): chrX:120,560,145, A>G on the plus strand (T>C on the coding strand, the complement: CUL4B is on the minus strand). VCF-style: chrX-120560145-A-G. GRCh37 (hg19) VCF-style: chrX-119694000-A-G.
Other names: c.509T>C, p.Val170Ala (NM_001330624.2); c.548T>C, p.Val183Ala (NM_003588.4); short protein forms V183A, V170A, V165A.
Identifiers: ClinVar variation 452955 (VCV000452955.3), dbSNP rs1556243058, ClinGen allele CA414204808.